The following is an entry in ClinVar:

NM_000170.3(GLDC):c.2256del (p.His753fs)

Gene: GLDC (glycine decarboxylase; minus strand). Cytogenetic location: 9p24.1.
Variant type: Deletion.
Coding change: c.2256del on transcript NM_000170.3 (MANE Select); coding-DNA position 2256, one base deleted (T; older notation c.2256delT).
Protein change: p.His753fs; shifts the reading frame from histidine 753.
Molecular consequence: frameshift variant.
Genome position (GRCh38, 1-based): chr9:6,554,728, A deleted on the plus strand (T on the coding strand, the reverse complement: GLDC is on the minus strand); the first of 2 consecutive A bases (chr9:6,554,728-6,554,729); deleting either gives the same sequence. VCF-style (leftmost placement, unchanged base first): chr9-6554727-GA-G. GRCh37 (hg19) VCF-style: chr9-6554727-GA-G.
Other names: short protein forms H753fs.
Identifiers: ClinVar variation 5015716 (VCV005015716.1).
Genomic context (GRCh38, chr9:6,554,727, plus strand): 5'-ACACTCCGATGGGCCCCATGCCAGGACCACCTCCTCCGTGGGGAATGCAGAAGGTCTTGT[GA>G]AGATTTAGGTGCGAGACATCAGACCCGAAGTCTCCAGGGCGACAGATTCCCACCTACCAC-3'

ClinVar aggregate classification (germline): Pathogenic (1 of 4 stars; one submission).

Conditions:
Glycine encephalopathy 1 (GCE1). Identifiers: MedGen CN376801, MONDO:0958179, OMIM 605899.

Submission:

Myriad Genetics, Inc.
Classification: Pathogenic for Glycine encephalopathy 1. Last evaluated: 2026-03-22. Review status: criteria provided, single submitter. Criteria: Myriad Autosomal Dominant, Autosomal Recessive and X-Linked Classification Criteria (2023). Collection method: clinical testing. Allele origin: unknown.
Comment: NM_000170.2(GLDC):c.2256delT(H753Tfs*20) is expected to be pathogenic in the context of glycine encephalopathy, GLDC-related. This variant is predicted to lead to an abnormal or absent protein product due to the creation of a premature termination codon in GLDC, a gene where loss-of-function variants are known to be pathogenic. Please note: this variant was assessed in the context of healthy population screening.